The following is an entry in ClinVar:

ClinVar aggregate classification (germline): Uncertain significance (1 of 4 stars; one submission).

Submission:

GeneDx
Classification: Uncertain significance. Last evaluated: 2023-06-16. Review status: criteria provided, single submitter. Criteria: GeneDx Variant Classification Process June 2021. Collection method: clinical testing. Allele origin: germline.
Comment: Not observed at significant frequency in large population cohorts (gnomAD); In silico analysis supports that this missense variant has a deleterious effect on protein structure/function; Has not been previously published as pathogenic or benign to our knowledge; Variants in candidate genes are classified as variants of uncertain significance in accordance with ACMG guidelines (Richards et al., 2015)

NM_014921.5(ADGRL1):c.1122C>G (p.Asn374Lys)

Genes: ADGRL1 (adhesion G protein-coupled receptor L1; minus strand), ADGRL1-AS1 (ADGRL1 antisense RNA 1; plus strand). Cytogenetic location: 19p13.12.
Variant type: single nucleotide variant.
Coding change: c.1122C>G on transcript NM_014921.5 (MANE Select); coding-DNA position 1122, C replaced by G.
Protein change: p.Asn374Lys; replaces asparagine 374 with lysine.
Molecular consequence: missense variant.
Genome position (GRCh38, 1-based): chr19:14,162,679, G>C on the plus strand (C>G on the coding strand, the complement: ADGRL1 is on the minus strand). VCF-style: chr19-14162679-G-C. GRCh37 (hg19) VCF-style: chr19-14273491-G-C.
Other names: c.1137C>G, p.Asn379Lys (NM_001008701.3); short protein forms N374K, N379K.
Identifiers: ClinVar variation 4891372 (VCV004891372.1).